The following is an entry in ClinVar:

NM_198253.3(TERT):c.2135A>G (p.Asp712Gly)

Gene: TERT (telomerase reverse transcriptase; minus strand). Cytogenetic location: 5p15.33.
Variant type: single nucleotide variant.
Coding change: c.2135A>G on transcript NM_198253.3 (MANE Select); coding-DNA position 2135, A replaced by G.
Protein change: p.Asp712Gly; replaces aspartic acid 712 with glycine.
Molecular consequence: missense variant. On other transcripts: non-coding transcript variant (1).
Genome position (GRCh38, 1-based): chr5:1,278,792, T>C on the plus strand (A>G on the coding strand, the complement: TERT is on the minus strand). VCF-style: chr5-1278792-T-C. GRCh37 (hg19) VCF-style: chr5-1278907-T-C.
Other names: c.2135A>G, p.Asp712Gly (NM_001193376.3); short protein forms D712G.
Identifiers: ClinVar variation 3967390 (VCV003967390.1).

ClinVar aggregate classification (germline): Uncertain significance (1 of 4 stars; one submission).

Conditions:
Dyskeratosis congenita. Identifiers: Orphanet 1775, MedGen C0265965, MONDO:0015780.

Submission:

Ambry Genetics
Classification: Uncertain significance for Dyskeratosis congenita. Last evaluated: 2025-06-08. Review status: criteria provided, single submitter. Criteria: Ambry Variant Classification Scheme 2023. Collection method: clinical testing. Allele origin: germline.
Comment: The p.D712G variant (also known as c.2135A>G), located in coding exon 6 of the TERT gene, results from an A to G substitution at nucleotide position 2135. The aspartic acid at codon 712 is replaced by glycine, an amino acid with similar properties. This amino acid position is conserved. In addition, this alteration is predicted to be deleterious by in silico analysis. Based on the available evidence, the clinical significance of this variant remains unclear.